The following is an entry in ClinVar:

NM_000551.4(VHL):c.289C>T (p.Pro97Ser)

Gene: VHL (von Hippel-Lindau tumor suppressor; plus strand). Cytogenetic location: 3p25.3.
Variant type: single nucleotide variant.
Coding change: c.289C>T on transcript NM_000551.4 (MANE Select); coding-DNA position 289, C replaced by T.
Protein change: p.Pro97Ser; replaces proline 97 with serine.
Molecular consequence: missense variant.
Genome position (GRCh38, 1-based): chr3:10,142,136, C>T. VCF-style: chr3-10142136-C-T. GRCh37 (hg19) VCF-style: chr3-10183820-C-T.
Other names: c.289C>T, p.Pro97Ser (NM_001354723.2, NM_198156.3); short protein forms P97S.
Identifiers: ClinVar variation 216477 (VCV000216477.14), dbSNP rs863224688, ClinGen allele CA339035.

ClinVar aggregate classification (germline): Conflicting classifications of pathogenicity. Review status: criteria provided, conflicting classifications (1 of 4 stars). 2 submissions from 2 submitters: Uncertain significance (1); Likely benign (1). Last evaluated 2026-05-19.

Conditions:
Hereditary cancer-predisposing syndrome. Also called: Neoplastic Syndromes, Hereditary; Hereditary Cancer Syndrome; Tumor predisposition; Hereditary neoplastic syndrome. Identifiers: Orphanet 140162, MedGen C0027672, MeSH D009386, MONDO:0015356.
Von Hippel-Lindau syndrome (VHLS). Also called: Von Hippel-Lindau; von Hippel–Lindau syndrome; VHL syndrome. Identifiers: Orphanet 892, MedGen C0019562, MONDO:0008667, OMIM 193300. Disease mechanism: loss of function.
Chuvash polycythemia. Also called: POLYCYTHEMIA, VHL-DEPENDENT. Identifiers: Orphanet 238557, MedGen C1837915, MONDO:0009892, OMIM 263400.

Allele frequency attached by ClinVar (database versions not stated): gnomAD exomes 0.00001 and below 0.00001.
gnomAD v4.1: 5 of 1,600,350 alleles (0.00031%); highest among the groups gnomAD compares: South Asian, 0.0044%; no homozygotes.

Submissions (2):

Ambry Genetics
Classification: Likely benign for Hereditary cancer-predisposing syndrome. Last evaluated: 2026-05-19. Review status: criteria provided, single submitter. Criteria: Ambry Variant Classification Scheme 2023. Collection method: clinical testing. Allele origin: germline.

Labcorp Genetics (formerly Invitae), Labcorp
Classification: Uncertain significance for Von Hippel-Lindau syndrome; Chuvash polycythemia. Last evaluated: 2024-10-16. Review status: criteria provided, single submitter. Criteria: Invitae Variant Classification Sherloc (09022015). Collection method: clinical testing. Allele origin: germline.
Comment: This sequence change replaces proline, which is neutral and non-polar, with serine, which is neutral and polar, at codon 97 of the VHL protein (p.Pro97Ser). This variant is present in population databases (no rsID available, gnomAD 0.007%). This variant has not been reported in the literature in individuals affected with VHL-related conditions. ClinVar contains an entry for this variant (Variation ID: 216477). Invitae Evidence Modeling of protein sequence and biophysical properties (such as structural, functional, and spatial information, amino acid conservation, physicochemical variation, residue mobility, and thermodynamic stability) has been performed for this missense variant. However, the output from this modeling did not meet the statistical confidence thresholds required to predict the impact of this variant on VHL protein function. In summary, the available evidence is currently insufficient to determine the role of this variant in disease. Therefore, it has been classified as a Variant of Uncertain Significance.

Literature cited by the submitters: PubMed 38969834 (cited by Ambry Genetics).